The following is an entry in ClinVar:

NM_000352.6(ABCC8):c.2117-2A>G

Gene: ABCC8 (ATP binding cassette subfamily C member 8; minus strand). Cytogenetic location: 11p15.1.
Variant type: single nucleotide variant.
Coding change: c.2117-2A>G on transcript NM_000352.6 (MANE Select); the canonical splice acceptor site of the intron before coding-DNA position 2117, A replaced by G.
Molecular consequence: splice acceptor variant.
Genome position (GRCh38, 1-based): chr11:17,427,156, T>C on the plus strand (A>G on the coding strand, the complement: ABCC8 is on the minus strand). VCF-style: chr11-17427156-T-C. GRCh37 (hg19) VCF-style: chr11-17448703-T-C.
Other names: c.2114-2A>G (NM_001351297.2, NM_001351296.2); c.2183-2A>G (NM_001351295.2); c.2117-2A>G (NM_001287174.3).
Identifiers: ClinVar variation 2631665 (VCV002631665.1), dbSNP rs1476853180, ClinGen allele CA379813845.

ClinVar aggregate classification (germline): Pathogenic (1 of 4 stars; one submission).

Conditions:
ABCC8-related disorder.

gnomAD v4.1: 3 of 1,612,044 alleles (0.00019%); highest among the groups gnomAD compares: Non-Finnish European, 0.00025%; no homozygotes.

Submission:

PreventionGenetics, part of Exact Sciences
Classification: Pathogenic for ABCC8-related condition. Last evaluated: 2023-07-18. Review status: criteria provided, single submitter. Criteria: ACMG Guidelines, 2015. Collection method: clinical testing. Allele origin: germline.
Comment: The ABCC8 c.2117-2A>G variant is predicted to disrupt the AG splice acceptor site and interfere with normal splicing. This variant has been reported in an individual with type 2 diabetes (Supp. Table 3 and 12, Bonnefond et al 2020. PubMed ID: 33046911). This variant has not been reported in a large population database, indicating this variant is rare. Variants that disrupt the consensus splice acceptor site in ABCC8 are expected to be pathogenic. This variant is interpreted as pathogenic.